The following is an entry in ClinVar:

NM_000350.3(ABCA4):c.2032_2034del (p.Lys678del)

Gene: ABCA4 (ATP binding cassette subfamily A member 4; minus strand). Cytogenetic location: 1p22.1.
Variant type: Deletion.
Coding change: c.2032_2034del on transcript NM_000350.3 (MANE Select); coding-DNA positions 2032 to 2034, 3 bases deleted (AAG; older notation c.2032_2034delAAG).
Protein change: p.Lys678del; deletes lysine 678.
Molecular consequence: inframe deletion. On other transcripts: inframe indel (1).
Genome position (GRCh38, 1-based): chr1:94,060,663-94,060,665, CTT deleted on the plus strand (AAG on the coding strand, the reverse complement: ABCA4 is on the minus strand); deleting any 3 consecutive bases within chr1:94,060,663-94,060,667 gives the same sequence; the c. name uses the placement nearest the transcript's 3' end. VCF-style (leftmost placement, unchanged base first): chr1-94060662-CCTT-C. GRCh37 (hg19) VCF-style: chr1-94526218-CCTT-C.
Other names: c.2030_2032delAGA, p.Lys678del (NM_001425324.1); short protein forms K678del.
Identifiers: ClinVar variation 2098056 (VCV002098056.4), dbSNP rs2523832886, ClinGen allele CA2580063339.

ClinVar aggregate classification (germline): Uncertain significance (1 of 4 stars; one submission).

Submission:

Labcorp Genetics (formerly Invitae), Labcorp
Classification: Uncertain significance. Last evaluated: 2023-08-04. Review status: criteria provided, single submitter. Criteria: Invitae Variant Classification Sherloc (09022015). Collection method: clinical testing. Allele origin: germline.
Comment: In summary, the available evidence is currently insufficient to determine the role of this variant in disease. Therefore, it has been classified as a Variant of Uncertain Significance. ClinVar contains an entry for this variant (Variation ID: 2098056). This variant has been observed in individual(s) with Stargardt disease (PMID: 33301772). This variant is not present in population databases (gnomAD no frequency). This variant, c.2032_2034del, results in the deletion of 1 amino acid(s) of the ABCA4 protein (p.Lys678del), but otherwise preserves the integrity of the reading frame.

Literature cited by the submitters: PubMed 33301772.